The following is an entry in ClinVar:

NM_001135651.3(EIF2AK2):c.505G>C (p.Glu169Gln)

Gene: EIF2AK2 (eukaryotic translation initiation factor 2 alpha kinase 2; minus strand). Cytogenetic location: 2p22.2.
Variant type: single nucleotide variant.
Coding change: c.505G>C on transcript NM_001135651.3 (MANE Select); coding-DNA position 505, G replaced by C.
Protein change: p.Glu169Gln; replaces glutamic acid 169 with glutamine.
Molecular consequence: missense variant.
Genome position (GRCh38, 1-based): chr2:37,139,642, C>G on the plus strand (G>C on the coding strand, the complement: EIF2AK2 is on the minus strand). VCF-style: chr2-37139642-C-G. GRCh37 (hg19) VCF-style: chr2-37366785-C-G.
Other names: c.505G>C, p.Glu169Gln (NM_001135652.3, NM_002759.4); short protein forms E169Q.
Identifiers: ClinVar variation 2442674 (VCV002442674.1), dbSNP rs2465341349, ClinGen allele CA346317970.
Genomic context (GRCh38, chr2:37,139,642, plus strand): 5'-TCAGAGGGAATTTTAAAACATAAAAATTTAATCCAAAGGCAATACGTACCACTGAGGTTT[C>G]TTCTGATAATATCTGAAGATATGCAAGTTTAGCGGCCAATTGTTTTGCTTCCTGTTTAGT-3'
Protein context (NP_001129123.1, residues 159-179): KLAYLQILSE[Glu169Gln]TSVKSDYLSS

ClinVar aggregate classification (germline): Uncertain significance (1 of 4 stars; one submission).

Submission:

GeneDx
Classification: Uncertain significance. Last evaluated: 2022-08-31. Review status: criteria provided, single submitter. Criteria: GeneDx Variant Classification Process June 2021. Collection method: clinical testing. Allele origin: germline. Affected: yes.
Comment: Not observed at significant frequency in large population cohorts (gnomAD); In silico analysis supports that this missense variant does not alter protein structure/function; Has not been previously published as pathogenic or benign to our knowledge